The following is an entry in ClinVar:

NM_000277.3(PAH):c.1156T>G (p.Tyr386Asp)

Gene: PAH (phenylalanine hydroxylase; minus strand). Cytogenetic location: 12q23.2.
Variant type: single nucleotide variant.
Coding change: c.1156T>G on transcript NM_000277.3 (MANE Select); coding-DNA position 1156, T replaced by G.
Protein change: p.Tyr386Asp; replaces tyrosine 386 with aspartic acid.
Molecular consequence: missense variant.
Genome position (GRCh38, 1-based): chr12:102,843,689, A>C on the plus strand (T>G on the coding strand, the complement: PAH is on the minus strand). VCF-style: chr12-102843689-A-C. GRCh37 (hg19) VCF-style: chr12-103237467-A-C.
Other names: NM_000277.3(PAH):c.1156T>G; p.Tyr386Asp; c.1156T>G, p.Tyr386Asp (NM_001354304.2); c.1156T>G (NM_000277.2); short protein forms Y386D.
Identifiers: ClinVar variation 102537 (VCV000102537.4), dbSNP rs199475691, ClinGen allele CA229361.
Genomic context (GRCh38, chr12:102,843,689, plus strand): 5'-CTTTGTCACCACCTCACCTTACTTTCTCCTTGGCATCATTAAAACTCTCTGCCACGTAAT[A>C]GAGGGGCTGGAACTCCGTGACAGTGTAATTTTGGATGGCTGTCTTCTCCAGCTCCAGGGG-3'
Protein context (NP_000268.1, residues 376-396): NYTVTEFQPL[Tyr386Asp]YVAESFNDAK

ClinVar aggregate classification (germline): Likely pathogenic. Review status: reviewed by expert panel (3 of 4 stars). 4 submissions from 4 submitters: Likely pathogenic (1). 3 of the submissions do not count toward it. Last evaluated 2022-06-24.

Conditions:
Phenylketonuria (PKU). Also called: Phenylketonuria (PKU); FOLLING DISEASE; OLIGOPHRENIA PHENYLPYRUVICA; Phenylketonurias. Identifiers: Orphanet 716, MedGen C0031485, MONDO:0009861, OMIM 261600. Disease mechanism: loss of function.

gnomAD v4.1: 2 of 1,613,532 alleles (0.00012%); highest among the groups gnomAD compares: African/African-American, 0.0013%; no homozygotes.

Submissions (4):

ClinGen PAH Variant Curation Expert Panel
Classification: Likely pathogenic for Phenylketonuria. Last evaluated: 2022-06-24. Review status: reviewed by expert panel. Criteria: ClinGen PAH ACMG Specifications v1. Collection method: curation. Allele origin: germline. Inheritance: Autosomal recessive inheritance.
Comment: BH4 responsiveness was not specified (PMID: 23430918; PP4). This variant has been detected with R158Q - reported as pathogenic in ClinVar (VarID:587), 14 submitters, phase unknown - 0.5 points (PMID: 23430918; PM3_Supporting). Another missense change at the same amino is pathogenic (p.Tyr386Cys). This variant is absent from population databases (PM2) and is predicted deleterious by SIFT, PolyPhen2, MutationTaster, and REVEL = 0.977 (PP3). In summary, this variant meets criteria to be classified as likely pathogenic for PAH. PAH-specific ACMG/AMP criteria applied: PM2, PM5, PP3, PP4, PM3_Supporting.

Natera, Inc.
Classification: Likely pathogenic for Phenylketonuria. Last evaluated: 2024-09-11. Review status: criteria provided, single submitter. Criteria: Natera Variant Classification Schema (03/2026). Collection method: clinical testing. Allele origin: germline. Not counted in ClinVar's aggregate classification.
Comment: The c.1156T>G variant in PAH is a missense variant predicted to cause substitution of tyrosine to aspartic acid at amino acid 386. This variant is rare in the general population with a frequency below the threshold expected for the associated phenotype(s). This variant has been observed in one or more individuals affected with the associated recessive disease, as either homozygous or compound heterozygous with a second variant (PMID: 23430918). A different variant at the same position has been determined to be Pathogenic or Likely Pathogenic. Computational prediction algorithms indicate this variant is likely to affect gene or protein function. Given the available evidence, this variant is classified as Likely Pathogenic.

Labcorp Genetics (formerly Invitae), Labcorp
Classification: Likely pathogenic for Phenylketonuria. Last evaluated: 2019-02-07. Review status: criteria provided, single submitter. Criteria: Invitae Variant Classification Sherloc (09022015). Collection method: clinical testing. Allele origin: germline. Not counted in ClinVar's aggregate classification.
Comment: This sequence change replaces tyrosine with aspartic acid at codon 386 of the PAH protein (p.Tyr386Asp). The tyrosine residue is highly conserved and there is a large physicochemical difference between tyrosine and aspartic acid. This variant is not present in population databases (ExAC no frequency). This variant has been observed in combination with a pathogenic PAH variant in individuals affected with phenylketonuria or hyperphenylalaninemia (PMID: 23430918, Invitae). ClinVar contains an entry for this variant (Variation ID: 102537). Algorithms developed to predict the effect of missense changes on protein structure and function (SIFT, PolyPhen-2, Align-GVGD) all suggest that this variant is likely to be disruptive, but these predictions have not been confirmed by published functional studies and their clinical significance is uncertain. This variant disrupts the p.Tyr386 amino acid residue in PAH. Other variant(s) that disrupt this residue have been observed in individuals with PAH-related conditions (PMID: 16765994, 24368688, 23430918, 24350308, 16198137, 22841515), suggesting that it is a clinically significant residue. As a result, variants that disrupt this residue are likely to be causative of disease. In summary, the currently available evidence indicates that the variant is pathogenic, but additional data are needed to prove that conclusively. Therefore, this variant has been classified as Likely Pathogenic.

DeBelle Laboratory for Biochemical Genetics, MUHC/MCH RESEARCH INSTITUTE
No classification provided. Review status: no classification provided. Collection method: not provided. Allele origin: not provided. Not counted in ClinVar's aggregate classification.

Literature cited by the submitters: PubMed 23430918 (cited by Natera, Inc. and Labcorp Genetics (formerly Invitae), Labcorp); PubMed 22841515 (cited by Labcorp Genetics (formerly Invitae), Labcorp); PubMed 16198137 (cited by Labcorp Genetics (formerly Invitae), Labcorp); PubMed 24368688 (cited by Labcorp Genetics (formerly Invitae), Labcorp); PubMed 16765994 (cited by Labcorp Genetics (formerly Invitae), Labcorp); PubMed 24350308 (cited by Labcorp Genetics (formerly Invitae), Labcorp).